The following is an entry in ClinVar:

ClinVar aggregate classification (germline): Benign/Likely benign. Review status: criteria provided, multiple submitters, no conflicts (2 of 4 stars). 3 submissions from 3 submitters: Benign (1); Likely benign (2). Last evaluated 2024-12-27.

Conditions:
Hereditary nonpolyposis colorectal neoplasms. Identifiers: MedGen C0009405, MeSH D003123.
Hereditary cancer-predisposing syndrome. Also called: Hereditary Cancer Syndrome; Tumor predisposition; Hereditary neoplastic syndrome; Neoplastic Syndromes, Hereditary. Identifiers: Orphanet 140162, MedGen C0027672, MeSH D009386, MONDO:0015356.
Lynch syndrome 5 (LYNCH5). Also called: Hereditary non-polyposis colorectal cancer, type 5; Colorectal cancer, hereditary nonpolyposis, type 5. Identifiers: Orphanet 144, MedGen C1833477, MONDO:0013710, OMIM 614350. Disease mechanism: loss of function.

Submissions (3):

Myriad Genetics, Inc.
Classification: Benign for Lynch syndrome 5. Last evaluated: 2024-12-27. Review status: criteria provided, single submitter. Criteria: Myriad Autosomal Dominant, Autosomal Recessive and X-Linked Classification Criteria (2023). Collection method: clinical testing. Allele origin: unknown.
Comment: This variant is considered benign. This variant is a silent/synonymous amino acid change and it is not expected to impact splicing.

Ambry Genetics
Classification: Likely benign for Hereditary cancer-predisposing syndrome. Last evaluated: 2024-05-26. Review status: criteria provided, single submitter. Criteria: Ambry Variant Classification Scheme 2023. Collection method: clinical testing. Allele origin: germline.

Labcorp Genetics (formerly Invitae), Labcorp
Classification: Likely benign for Hereditary nonpolyposis colorectal neoplasms. Last evaluated: 2024-02-17. Review status: criteria provided, single submitter. Criteria: Invitae Variant Classification Sherloc (09022015). Collection method: clinical testing. Allele origin: germline.

NM_000179.3(MSH6):c.1743A>G (p.Arg581=)

Gene: MSH6 (mutS homolog 6; plus strand). Cytogenetic location: 2p16.3.
Variant type: single nucleotide variant.
Coding change: c.1743A>G on transcript NM_000179.3 (MANE Select); coding-DNA position 1743, A replaced by G.
Protein change: p.Arg581=; no amino-acid change (arginine 581 retained).
Molecular consequence: synonymous variant.
Genome position (GRCh38, 1-based): chr2:47,799,726, A>G. VCF-style: chr2-47799726-A-G. GRCh37 (hg19) VCF-style: chr2-48026865-A-G.
Other names: c.1353A>G, p.Arg451= (NM_001281492.2); c.837A>G, p.Arg279= (NM_001281493.2, NM_001281494.2); c.1743A>G (NM_000179.2).
Identifiers: ClinVar variation 1044857 (VCV001044857.11), dbSNP rs1669368141, ClinGen allele CA426121035.